The following is an entry in ClinVar:

NM_001291303.3(FAT4):c.4815C>T (p.Asp1605=)

Gene: FAT4 (FAT atypical cadherin 4; plus strand). Cytogenetic location: 4q28.1.
Variant type: single nucleotide variant.
Coding change: c.4815C>T on transcript NM_001291303.3 (MANE Select); coding-DNA position 4815, C replaced by T.
Protein change: p.Asp1605=; no amino-acid change (aspartic acid 1605 retained).
Molecular consequence: synonymous variant.
Genome position (GRCh38, 1-based): chr4:125,321,226, C>T. VCF-style: chr4-125321226-C-T. GRCh37 (hg19) VCF-style: chr4-126242381-C-T.
Other names: c.4815C>T, p.Asp1605= (NM_001291285.3, NM_024582.6).
Identifiers: ClinVar variation 1590818 (VCV001590818.22), dbSNP rs763330003, ClinGen allele CA3072526.

ClinVar aggregate classification (germline): Likely benign. Review status: criteria provided, multiple submitters, no conflicts (2 of 4 stars). 2 submissions from 2 submitters: Likely benign (2). Last evaluated 2025-07-27.

Allele frequency attached by ClinVar (database versions not stated): ExAC 0.00001; gnomAD 0.00001; gnomAD exomes 0.00001; TOPMed 0.00002.

Submissions (2):

Labcorp Genetics (formerly Invitae), Labcorp
Classification: Likely benign. Last evaluated: 2025-07-27. Review status: criteria provided, single submitter. Criteria: Invitae Variant Classification Sherloc (09022015). Collection method: clinical testing. Allele origin: germline.

CeGaT Center for Human Genetics Tuebingen
Classification: Likely benign. Last evaluated: 2024-09-01. Review status: criteria provided, single submitter. Criteria: CeGaT Center For Human Genetics Tuebingen Variant Classification Criteria Version 2. Collection method: clinical testing. Allele origin: germline. Affected: yes. Observed: 1 variant allele.
Comment: FAT4: BP4, BP7